The following is an entry in ClinVar:

ClinVar aggregate classification (germline): Uncertain significance (1 of 4 stars; one submission).

Submission:

GeneDx
Classification: Uncertain significance. Last evaluated: 2019-10-04. Review status: criteria provided, single submitter. Criteria: GeneDx Variant Classification Process June 2021. Collection method: clinical testing. Allele origin: germline. Affected: yes.
Comment: Not observed in large population cohorts (Lek et al., 2016); In silico analysis, which includes protein predictors and evolutionary conservation, supports that this variant does not alter protein structure/function; Has not been previously published as pathogenic or benign to our knowledge

NM_205768.3(ZBTB18):c.559G>A (p.Ala187Thr)

Gene: ZBTB18 (zinc finger and BTB domain containing 18; plus strand). Cytogenetic location: 1q44.
Variant type: single nucleotide variant.
Coding change: c.559G>A on transcript NM_205768.3 (MANE Select); coding-DNA position 559, G replaced by A.
Protein change: p.Ala187Thr; replaces alanine 187 with threonine.
Molecular consequence: missense variant.
Genome position (GRCh38, 1-based): chr1:244,054,333, G>A. VCF-style: chr1-244054333-G-A. GRCh37 (hg19) VCF-style: chr1-244217635-G-A.
Other names: c.532G>A, p.Ala178Thr (NM_001278196.2, NM_006352.5); short protein forms A178T, A187T.
Identifiers: ClinVar variation 1308780 (VCV001308780.2), dbSNP rs2148556466, ClinGen allele CA345673193.